The following is an entry in ClinVar:

ClinVar aggregate classification (germline): Uncertain significance (1 of 4 stars; one submission).

Conditions:
Cerebrooculofacioskeletal syndrome 3 (COFS3). Identifiers: MedGen C1851443, MONDO:0014696, OMIM 616570.

Allele frequency attached by ClinVar (database versions not stated): TOPMed below 0.00001; gnomAD 0.00001; gnomAD exomes 0.00003.
gnomAD v4.1: 54 of 1,614,152 alleles (0.0033%); highest among the groups gnomAD compares: South Asian, 0.051%; 1 homozygote.

Submission:

Neuberg Centre For Genomic Medicine, NCGM
Classification: Uncertain significance for Cerebrooculofacioskeletal syndrome 3. Review status: criteria provided, single submitter. Criteria: ACMG Guidelines, 2015. Collection method: clinical testing. Allele origin: germline. Inheritance: Autosomal recessive inheritance. Affected: yes.
Comment: The missense c.2788C>Gp.Pro930Ala variant in ERCC5 gene has not been reported previously as a pathogenic variant nor as a benign variant, to our knowledge. This variant is reported with the allele frequency of 0.01% in the gnomAD Exomes and novel in 1000 Genomes. The amino acid Pro at position 930 is changed to a Ala changing protein sequence and it might alter its composition and physico-chemical properties. The amino acid change p.Pro930Ala in ERCC5 is predicted as conserved by GERP++ and PhyloP across 100 vertebrates. The variant is predicted as damaging by SIFT. For these reasons, this variant has been classified as Uncertain Significance.

NM_000123.4(ERCC5):c.2788C>G (p.Pro930Ala)

Genes: BIVM-ERCC5 (BIVM-ERCC5 readthrough; plus strand), ERCC5 (ERCC excision repair 5, endonuclease; plus strand). Cytogenetic location: 13q33.1.
Variant type: single nucleotide variant.
Coding change: c.2788C>G on transcript NM_000123.4 (MANE Select); coding-DNA position 2788, C replaced by G.
Protein change: p.Pro930Ala; replaces proline 930 with alanine.
Molecular consequence: missense variant.
Genome position (GRCh38, 1-based): chr13:102,872,307, C>G. VCF-style: chr13-102872307-C-G. GRCh37 (hg19) VCF-style: chr13-103524657-C-G.
Other names: c.4150C>G, p.Pro1384Ala (NM_001204425.2); short protein forms P1384A, P930A.
Identifiers: ClinVar variation 3234934 (VCV003234934.1), dbSNP rs771358100, ClinGen allele CA7041739.